The following is an entry in ClinVar:

ClinVar aggregate classification (germline): Uncertain significance. Review status: criteria provided, multiple submitters, no conflicts (2 of 4 stars). 2 submissions from 2 submitters: Uncertain significance (2). Last evaluated 2024-08-05.

Allele frequency attached by ClinVar (database versions not stated): TOPMed below 0.00001; gnomAD 0.00001.
gnomAD v4.1: 1 of 1,612,934 alleles (0.000062%); highest among the groups gnomAD compares: Non-Finnish European, 0.000085%; no homozygotes.

Submissions (2):

Women's Health and Genetics/Laboratory Corporation of America, LabCorp
Classification: Uncertain significance. Last evaluated: 2024-08-05. Review status: criteria provided, single submitter. Criteria: LabCorp Variant Classification Summary - May 2015. Collection method: clinical testing. Allele origin: germline.
Comment: Variant summary: GCH1 c.301G>A (p.Ala101Thr) results in a non-conservative amino acid change located in the GTP cyclohydrolase I domain (IPR020602) of the encoded protein sequence. Five of five in-silico tools predict a damaging effect of the variant on protein function. The variant was absent in 248480 control chromosomes. The available data on variant occurrences in the general population are insufficient to allow any conclusion about variant significance. To our knowledge, no occurrence of c.301G>A in individuals affected with Dystonia 5 and no experimental evidence demonstrating its impact on protein function have been reported. ClinVar contains an entry for this variant (Variation ID: 423661). Based on the evidence outlined above, the variant was classified as uncertain significance.

GeneDx
Classification: Uncertain significance. Last evaluated: 2021-05-03. Review status: criteria provided, single submitter. Criteria: GeneDx Variant Classification Process June 2021. Collection method: clinical testing. Allele origin: germline. Affected: yes.
Comment: Not observed in large population cohorts (Lek et al., 2016); In silico analysis supports that this missense variant has a deleterious effect on protein structure/function; Has not been previously published as pathogenic or benign to our knowledge

NM_000161.3(GCH1):c.301G>A (p.Ala101Thr)

Gene: GCH1 (GTP cyclohydrolase 1; minus strand). Cytogenetic location: 14q22.2.
Variant type: single nucleotide variant.
Coding change: c.301G>A on transcript NM_000161.3 (MANE Select); coding-DNA position 301, G replaced by A.
Protein change: p.Ala101Thr; replaces alanine 101 with threonine.
Molecular consequence: missense variant.
Genome position (GRCh38, 1-based): chr14:54,902,363, C>T on the plus strand (G>A on the coding strand, the complement: GCH1 is on the minus strand). VCF-style: chr14-54902363-C-T. GRCh37 (hg19) VCF-style: chr14-55369081-C-T.
Other names: c.301G>A, p.Ala101Thr (NM_001024024.2, NM_001024070.2, NM_001024071.2); short protein forms A101T.
Identifiers: ClinVar variation 423661 (VCV000423661.4), dbSNP rs1064796560, ClinGen allele CA16619875.
Genomic context (GRCh38, chr14:54,902,363, plus strand): 5'-GCCCGCGGGCGCACTGACCTGAGATGGTCTCCTGGTAGCCCTTGGTGAAGAACTGCATGG[C>T]CGAGGCCGCCCTCCAGGGCGTCTTGAGCAGCCCTTGCCGCTGGGGGTTCTCGCCCAGCGA-3'
Protein context (NP_000152.1, residues 91-111): LLKTPWRAAS[Ala101Thr]MQFFTKGYQE